The following is an entry in ClinVar:

NM_173602.3(DIP2B):c.3622G>T (p.Ala1208Ser)

Gene: DIP2B (disco interacting protein 2 homolog B; plus strand). Cytogenetic location: 12q13.12.
Variant type: single nucleotide variant.
Coding change: c.3622G>T on transcript NM_173602.3 (MANE Select); coding-DNA position 3622, G replaced by T.
Protein change: p.Ala1208Ser; replaces alanine 1208 with serine.
Molecular consequence: missense variant.
Genome position (GRCh38, 1-based): chr12:50,728,659, G>T. VCF-style: chr12-50728659-G-T. GRCh37 (hg19) VCF-style: chr12-51122442-G-T.
Other names: short protein forms A1208S.
Identifiers: ClinVar variation 2633697 (VCV002633697.1), dbSNP rs753667447, ClinGen allele CA384827981.
Genomic context (GRCh38, chr12:50,728,659, plus strand): 5'-GAGTTGTACTCTTCTCGGCAGATCGCCATCTGCCTTGACCCTTACTGTGGACTTGGCTTC[G>T]CGCTCTGGTGTCTCTGCAGGTAGGGATGGAAAAGCCAAGGAGACAGAATGTGTGGGGGTA-3'
Protein context (NP_775873.2, residues 1198-1218): CLDPYCGLGF[Ala1208Ser]LWCLCSVYSG

ClinVar aggregate classification (germline): Uncertain significance (1 of 4 stars; one submission).

Conditions:
DIP2B-related disorder. Also called: DIP2B-related condition.

Submission:

PreventionGenetics, part of Exact Sciences
Classification: Uncertain significance for DIP2B-related condition. Last evaluated: 2023-03-16. Review status: criteria provided, single submitter. Criteria: ACMG Guidelines, 2015. Collection method: clinical testing. Allele origin: germline.
Comment: The DIP2B c.3622G>T variant is predicted to result in the amino acid substitution p.Ala1208Ser. To our knowledge, this variant has not been reported in the literature or in a large population database, indicating this variant is rare. At this time, the clinical significance of this variant is uncertain due to the absence of conclusive functional and genetic evidence.